The following is an entry in ClinVar:

NM_018979.4(WNK1):c.6268C>G (p.Leu2090Val)

Gene: WNK1 (WNK lysine deficient protein kinase 1; plus strand). Cytogenetic location: 12p13.33.
Variant type: single nucleotide variant.
Coding change: c.6268C>G on transcript NM_018979.4 (MANE Select); coding-DNA position 6268, C replaced by G.
Protein change: p.Leu2090Val; replaces leucine 2090 with valine.
Molecular consequence: missense variant.
Genome position (GRCh38, 1-based): chr12:897,501, C>G. VCF-style: chr12-897501-C-G. GRCh37 (hg19) VCF-style: chr12-1006667-C-G.
Other names: c.7048C>G, p.Leu2350Val (NM_001184985.2); c.5524C>G, p.Leu1842Val (NM_014823.3); c.7024C>G, p.Leu2342Val (NM_213655.5); short protein forms L1842V, L2090V, L2342V, L2350V.
Identifiers: ClinVar variation 2157163 (VCV002157163.4), dbSNP rs992432813, ClinGen allele CA231487662.
Genomic context (GRCh38, chr12:897,501, plus strand): 5'-TTATGGTATTTTGAATTATGTTTGGTTATCTTTCACAGACATCTCAAAGAGATTCAGGAC[C>G]TGCAGAGTCGCCAGAAGCATGAAATTGAATCTTTGTATACCAAACTGGGCAAGGTGCCCC-3'
Protein context (NP_061852.3, residues 2080-2100): RDKHLKEIQD[Leu2090Val]QSRQKHEIES

ClinVar aggregate classification (germline): Uncertain significance (1 of 4 stars; one submission).

Conditions:
Neuropathy, hereditary sensory and autonomic, type 2A (HSAN2A). Also called: ACROOSTEOLYSIS, GIACCAI TYPE; ACROOSTEOLYSIS, NEUROGENIC; MORVAN DISEASE; NEUROPATHY, CONGENITAL SENSORY; NEUROPATHY, HEREDITARY SENSORY RADICULAR, AUTOSOMAL RECESSIVE; NEUROPATHY, HEREDITARY SENSORY, TYPE IIA. Identifiers: Orphanet 970, MedGen C2752089, MONDO:0024309, OMIM 201300.
Pseudohypoaldosteronism type 2C (PHA2C). Also called: Pseudohypoaldosteronism Type IIC. Identifiers: Orphanet 757, Orphanet 88940, MedGen C1840391, MONDO:0013778, OMIM 614492.

Allele frequency attached by ClinVar (database versions not stated): gnomAD exomes below 0.00001; TOPMed 0.00002; gnomAD 0.00003.
gnomAD v4.1: 9 of 1,607,256 alleles (0.00056%); highest among the groups gnomAD compares: African/African-American, 0.012%; no homozygotes.

Submission:

Labcorp Genetics (formerly Invitae), Labcorp
Classification: Uncertain significance for Neuropathy, hereditary sensory and autonomic, type 2A; Pseudohypoaldosteronism type 2C. Last evaluated: 2024-05-10. Review status: criteria provided, single submitter. Criteria: Invitae Variant Classification Sherloc (09022015). Collection method: clinical testing. Allele origin: germline.
Comment: This sequence change replaces leucine, which is neutral and non-polar, with valine, which is neutral and non-polar, at codon 2342 of the WNK1 protein (p.Leu2342Val). This variant is present in population databases (no rsID available, gnomAD 0.02%). This variant has not been reported in the literature in individuals affected with WNK1-related conditions. ClinVar contains an entry for this variant (Variation ID: 2157163). Experimental studies and prediction algorithms are not available or were not evaluated, and the functional significance of this variant is currently unknown. In summary, the available evidence is currently insufficient to determine the role of this variant in disease. Therefore, it has been classified as a Variant of Uncertain Significance.